The following is an entry in ClinVar:

ClinVar aggregate classification (germline): Likely benign (1 of 4 stars; one submission).

Submission:

CeGaT Center for Human Genetics Tuebingen
Classification: Likely benign. Last evaluated: 2026-08-01. Review status: criteria provided, single submitter. Criteria: CeGaT Center For Human Genetics Tuebingen Variant Classification Criteria Version 2. Collection method: clinical testing. Allele origin: germline. Affected: yes. Observed: 3 variant alleles.
Comment: BTBD17: PM2:Supporting, BP4, BP7

NM_001080466.2(BTBD17):c.420A>G (p.Arg140=)

Gene: BTBD17 (BTB domain containing 17; minus strand). Cytogenetic location: 17q25.1.
Variant type: single nucleotide variant.
Coding change: c.420A>G on transcript NM_001080466.2 (MANE Select); coding-DNA position 420, A replaced by G.
Protein change: p.Arg140=; no amino-acid change (arginine 140 retained).
Molecular consequence: synonymous variant.
Genome position (GRCh38, 1-based): chr17:74,357,674, T>C on the plus strand (A>G on the coding strand, the complement: BTBD17 is on the minus strand). VCF-style: chr17-74357674-T-C. GRCh37 (hg19) VCF-style: chr17-72353813-T-C.
Identifiers: ClinVar variation 4084516 (VCV004084516.8).